The following is an entry in ClinVar:

NM_001384140.1(PCDH15):c.1034C>T (p.Ala345Val)

Gene: PCDH15 (protocadherin related 15; minus strand). Cytogenetic location: 10q21.1.
Variant type: single nucleotide variant.
Coding change: c.1034C>T on transcript NM_001384140.1 (MANE Select); coding-DNA position 1034, C replaced by T.
Protein change: p.Ala345Val; replaces alanine 345 with valine.
Molecular consequence: missense variant.
Genome position (GRCh38, 1-based): chr10:54,214,000, G>A on the plus strand (C>T on the coding strand, the complement: PCDH15 is on the minus strand). VCF-style: chr10-54214000-G-A. GRCh37 (hg19) VCF-style: chr10-55973760-G-A.
Other names: c.1049C>T, p.Ala350Val (NM_001142763.2, NM_001142769.4, NM_001142771.2); c.1034C>T, p.Ala345Val (NM_001142764.2, NM_001142765.2, NM_001142766.2 and 7 more transcripts); c.923C>T, p.Ala308Val (NM_001142767.2); c.968C>T, p.Ala323Val (NM_001142768.2, NM_001142773.2, NM_001354404.2); short protein forms A345V, A350V, A323V, A308V.
Identifiers: ClinVar variation 1515155 (VCV001515155.8), dbSNP rs759047277, ClinGen allele CA376523638.

ClinVar aggregate classification (germline): Uncertain significance (1 of 4 stars; one submission).

Submission:

Labcorp Genetics (formerly Invitae), Labcorp
Classification: Uncertain significance. Last evaluated: 2021-01-15. Review status: criteria provided, single submitter. Criteria: Invitae Variant Classification Sherloc (09022015). Collection method: clinical testing. Allele origin: germline.
Comment: Algorithms developed to predict the effect of missense changes on protein structure and function are either unavailable or do not agree on the potential impact of this missense change (SIFT: "Tolerated"; PolyPhen-2: "Probably Damaging"; Align-GVGD: "Class C0"). This variant has not been reported in the literature in individuals with PCDH15-related conditions. In summary, the available evidence is currently insufficient to determine the role of this variant in disease. Therefore, it has been classified as a Variant of Uncertain Significance. This variant is not present in population databases (ExAC no frequency). This sequence change replaces alanine with valine at codon 345 of the PCDH15 protein (p.Ala345Val). The alanine residue is highly conserved and there is a small physicochemical difference between alanine and valine.